The following is an entry in ClinVar:

NM_004183.4(BEST1):c.1693A>G (p.Thr565Ala)

Gene: BEST1 (bestrophin 1; plus strand). Cytogenetic location: 11q12.3.
Variant type: single nucleotide variant.
Coding change: c.1693A>G on transcript NM_004183.4 (MANE Select); coding-DNA position 1693, A replaced by G.
Protein change: p.Thr565Ala; replaces threonine 565 with alanine.
Molecular consequence: missense variant. On other transcripts: non-coding transcript variant (1).
Genome position (GRCh38, 1-based): chr11:61,962,847, A>G. VCF-style: chr11-61962847-A-G. GRCh37 (hg19) VCF-style: chr11-61730319-A-G.
Other names: c.1513A>G, p.Thr505Ala (NM_001139443.3, NM_001300787.2); c.1432A>G, p.Thr478Ala (NM_001300786.2); c.1375A>G, p.Thr459Ala (NM_001363591.3); c.*588A>G (NM_001363592.2); c.721A>G, p.Thr241Ala (NM_001363593.3); c.1693A>G (NM_004183.3); short protein forms T478A, T505A, T241A, T459A, T565A.
Identifiers: ClinVar variation 1372698 (VCV001372698.9), dbSNP rs767436221, ClinGen allele CA6041102.

ClinVar aggregate classification (germline): Conflicting classifications of pathogenicity. Review status: criteria provided, conflicting classifications (1 of 4 stars). 4 submissions from 4 submitters: Uncertain significance (3); Likely benign (1). Last evaluated 2026-07-21.

Conditions:
Inborn genetic diseases. Identifiers: MedGen C0950123, MeSH D030342.
BEST1-related disorder. Also called: BEST1-related disorders; BEST1-related condition. Identifiers: MedGen CN239200.

Allele frequency attached by ClinVar (database versions not stated): TOPMed below 0.00001; ExAC 0.00001; gnomAD 0.00001; gnomAD exomes 0.00001 and 0.00002.
gnomAD v4.1: 26 of 1,613,950 alleles (0.0016%); highest among the groups gnomAD compares: Non-Finnish European, 0.0021%; no homozygotes.

Submissions (4):

PreventionGenetics, part of Exact Sciences
Classification: Uncertain significance for BEST1-related condition. Last evaluated: 2026-07-21. Review status: criteria provided, single submitter. Criteria: ACMG Guidelines, 2015. Collection method: clinical testing. Allele origin: germline.
Comment: The BEST1 c.1693A>G variant is predicted to result in the amino acid substitution p.Thr565Ala. To our knowledge, this variant has not been reported in the literature. This variant is present in 0.0029% of alleles in individuals of Latino descent in gnomAD. At this time, the clinical significance of this variant is uncertain due to the absence of conclusive functional and genetic evidence.

Labcorp Genetics (formerly Invitae), Labcorp
Classification: Uncertain significance. Last evaluated: 2025-11-16. Review status: criteria provided, single submitter. Criteria: Invitae Variant Classification Sherloc (09022015). Collection method: clinical testing. Allele origin: germline.
Comment: This sequence change replaces threonine, which is neutral and polar, with alanine, which is neutral and non-polar, at codon 565 of the BEST1 protein (p.Thr565Ala). This variant is present in population databases (rs767436221, gnomAD 0.003%). This variant has not been reported in the literature in individuals affected with BEST1-related conditions. ClinVar contains an entry for this variant (Variation ID: 1372698). An algorithm developed to predict the effect of missense changes on protein structure and function outputs the following: PolyPhen-2: "Benign". The alanine amino acid residue is found in multiple mammalian species, which suggests that this missense change does not adversely affect protein function. In summary, the available evidence is currently insufficient to determine the role of this variant in disease. Therefore, it has been classified as a Variant of Uncertain Significance.

Ambry Genetics
Classification: Likely benign for Inborn genetic diseases. Last evaluated: 2025-08-11. Review status: criteria provided, single submitter. Criteria: Ambry Variant Classification Scheme 2023. Collection method: clinical testing. Allele origin: germline.

Blueprint Genetics
Classification: Uncertain significance. Last evaluated: 2023-11-28. Review status: criteria provided, single submitter. Criteria: ACMG Guidelines, 2015. Collection method: clinical testing. Allele origin: germline.